The following is an entry in ClinVar:

NM_000297.4(PKD2):c.526C>T (p.Arg176Cys)

Genes: PKD2 (polycystin 2, transient receptor potential cation channel; plus strand), LOC129992813 (ATAC-STARR-seq lymphoblastoid silent region 15559; plus strand). Cytogenetic location: 4q22.1.
Variant type: single nucleotide variant.
Coding change: c.526C>T on transcript NM_000297.4 (MANE Select); coding-DNA position 526, C replaced by T.
Protein change: p.Arg176Cys; replaces arginine 176 with cysteine.
Molecular consequence: missense variant. On other transcripts: non-coding transcript variant (1).
Genome position (GRCh38, 1-based): chr4:88,008,259, C>T. VCF-style: chr4-88008259-C-T. GRCh37 (hg19) VCF-style: chr4-88929411-C-T.
Other names: c.526C>T, p.Arg176Cys (NM_001440544.1); short protein forms R176C.
Identifiers: ClinVar variation 4707957 (VCV004707957.1).

ClinVar aggregate classification (germline): Uncertain significance (1 of 4 stars; one submission).

Conditions:
Autosomal dominant polycystic kidney disease. Identifiers: Orphanet 730, MedGen C0085413, MONDO:0004691.

gnomAD v4.1: 10 of 1,464,464 alleles (0.00068%); highest among the groups gnomAD compares: Admixed American, 0.0024%; no homozygotes.

Submission:

Labcorp Genetics (formerly Invitae), Labcorp
Classification: Uncertain significance for Autosomal dominant polycystic kidney disease. Last evaluated: 2026-01-19. Review status: criteria provided, single submitter. Criteria: Invitae Variant Classification Sherloc (09022015). Collection method: clinical testing. Allele origin: germline.
Comment: This sequence change replaces arginine, which is basic and polar, with cysteine, which is neutral and slightly polar, at codon 176 of the PKD2 protein (p.Arg176Cys). This variant is not present in population databases (gnomAD no frequency). This variant has not been reported in the literature in individuals affected with PKD2-related conditions. An algorithm developed to predict the effect of missense changes on protein structure and function (PolyPhen-2) suggests that this variant is likely to be disruptive. In summary, the available evidence is currently insufficient to determine the role of this variant in disease. Therefore, it has been classified as a Variant of Uncertain Significance.